The following is an entry in ClinVar:

NM_001042492.3(NF1):c.4372GAA[1] (p.Glu1459del)

Gene: NF1 (neurofibromin 1; plus strand). Cytogenetic location: 17q11.2.
Variant type: Microsatellite.
Coding change: c.4372GAA[1] on transcript NM_001042492.3 (MANE Select); one copy of the 3-base unit GAA starting at c.4372; the reference has two copies in a row; one copy, 3 bases deleted; also written c.4375_4377del.
Protein change: p.Glu1459del; deletes glutamic acid 1459.
Molecular consequence: inframe deletion. On other transcripts: inframe indel (2).
Genome position (GRCh38, 1-based): chr17:31,259,074-31,259,076, GAA deleted; deleting any 3 consecutive bases within chr17:31,259,069-31,259,076 gives the same sequence; the position shown is the placement nearest the transcript's 3' end. VCF-style (leftmost placement, unchanged base first): chr17-31259068-AAAG-A. GRCh37 (hg19) VCF-style: chr17-29586086-AAAG-A.
Other names: c.4312_4314delGAA (NM_000267.3); c.4375_4377delGAA (NM_001042492.2); c.4375_4377del (NM_001042492.3); c.4309_4311GAA[1], p.Glu1438del (NM_000267.4); c.4312_4314del (NM_000267.3); short protein forms E1438del, E1459del.
Identifiers: ClinVar variation 364 (VCV000000364.22), dbSNP rs267606607, ClinGen allele CA114191.

ClinVar aggregate classification (germline): Pathogenic/Likely pathogenic. Review status: criteria provided, multiple submitters, no conflicts (2 of 4 stars). 11 submissions from 11 submitters: Pathogenic (5); Likely pathogenic (5). 1 of the submissions does not count toward it. Last evaluated 2026-01-11.

Conditions:
Cardiovascular phenotype. Identifiers: MedGen CN230736.
Hereditary cancer-predisposing syndrome. Also called: Neoplastic Syndromes, Hereditary; Hereditary Cancer Syndrome; Tumor predisposition; Hereditary neoplastic syndrome. Identifiers: Orphanet 140162, MedGen C0027672, MeSH D009386, MONDO:0015356.
NF1-related disorder. Also called: NF1-related condition. Identifiers: MedGen CN379171.
Neurofibromatosis, type 1 (NF1). Also called: VON RECKLINGHAUSEN DISEASE; NEUROFIBROMATOSIS, TYPE I, SOMATIC; Peripheral type neurofibromatosis; Neurofibromatosis, type I. Identifiers: Orphanet 636, MedGen C0027831, MONDO:0018975, OMIM 162200. Disease mechanism: loss of function.
Neurofibromatosis-Noonan syndrome (NFNS). Also called: NEUROFIBROMATOSIS WITH NOONAN PHENOTYPE. Identifiers: Orphanet 638, MedGen C2931482, MONDO:0011035, OMIM 601321. Disease mechanism: loss of function.
Juvenile myelomonocytic leukemia (JMML). Also called: LEUKEMIA, JUVENILE MYELOMONOCYTIC, SOMATIC. Identifiers: Orphanet 86834, MedGen C0349639, MONDO:0011908, OMIM 607785, HP:0012209.

Submissions (11):

Labcorp Genetics (formerly Invitae), Labcorp
Classification: Pathogenic for Neurofibromatosis, type 1. Last evaluated: 2026-01-11. Review status: criteria provided, single submitter. Criteria: Invitae Variant Classification Sherloc (09022015). Collection method: clinical testing. Allele origin: germline.
Comment: This variant, c.4312_4314del, results in the deletion of 1 amino acid(s) of the NF1 protein (p.Glu1438del), but otherwise preserves the integrity of the reading frame. This variant is not present in population databases (gnomAD no frequency). This variant has been observed in individual(s) with classic neurofibromatosis type 1 and neurofibromatosis-Noonan syndrome (NFNS) (PMID: 12707950, 15060124, 18546366, 19863548). In at least one individual the variant was observed to be de novo. Invitae Evidence Modeling of clinical and family history, age, sex, and reported ancestry of multiple individuals with this NF1 variant has been performed. This variant is expected to be pathogenic with a positive predictive value of at least 99%. This is a validated machine learning model that incorporates the clinical features of 1,785,918 individuals referred to our laboratory for NF1 testing. This variant is also known as 4312 del GAAdE1438. ClinVar contains an entry for this variant (Variation ID: 364). For these reasons, this variant has been classified as Pathogenic.

Myriad Genetics, Inc.
Classification: Likely pathogenic for Neurofibromatosis, type 1. Last evaluated: 2025-12-11. Review status: criteria provided, single submitter. Criteria: Myriad Autosomal Dominant, Autosomal Recessive and X-Linked Classification Criteria (2023). Collection method: clinical testing. Allele origin: unknown.
Comment: This variant is considered likely pathogenic. This variant has been reported in multiple individuals with clinical features of gene-specific disease [PMID: 18546366, 24789688, 23913538, 26962827, 31776437, 19863548, 36803953].

Ambry Genetics
Classification: Likely pathogenic for Cardiovascular phenotype; Hereditary cancer-predisposing syndrome. Last evaluated: 2025-12-04. Review status: criteria provided, single submitter. Criteria: Ambry Variant Classification Scheme 2023. Collection method: clinical testing. Allele origin: germline.
Comment: The c.4312_4314delGAA variant (also known as p.E1438del) is located in coding exon 32 of the NF1 gene. This variant results from an in-frame GAA deletion at nucleotide positions 4312 to 4314. This results in the in-frame deletion of a glutamic acid at codon 1438. This alteration (also referred to as 4312delGAA and &Delta;E1438) has been detected in individuals meeting diagnostic criteria for neurofibromatosis type 1 (NF1) (Mattocks C et al. J Med Genet, 2004 Apr;41:e48; Pros E et al. Hum Mutat, 2008 Sep;29:E173-93; Ambry internal data) and in several individuals with clinically definite or suspected NF1 diagnoses (Xu W et al. Int. J. Mol. Med., 2014 Jul;34:53-60; Baralle D et al. Am. J. Med. Genet. A, 2003 May;119A:1-8; Ars E et al. J. Med. Genet., 2003 Jun;40:e82; Sabbagh A et al. Hum Mutat, 2013 Nov;34:1510-8; Kang E et al. J Hum Genet, 2020 Jan;65:79-89). This alteration was reported as a de novo occurrence in an individual with multiple spinal ganglioneuromas and cafe-au-lait spots but who did not have other NF1 features (Bacci C et al. Clin. Genet., 2010 Mar;77:293-7). This amino acid position is highly conserved in available vertebrate species. In addition, this alteration is predicted to be deleterious by in silico analysis (Choi Y et al. PLoS ONE. 2012; 7(10):e46688). This variant is considered to be rare based on population cohorts in the Genome Aggregation Database (gnomAD). Based on the majority of available evidence to date, this variant is likely to be pathogenic.

GeneDx
Classification: Pathogenic. Last evaluated: 2023-03-24. Review status: criteria provided, single submitter. Criteria: GeneDx Variant Classification Process June 2021. Collection method: clinical testing. Allele origin: germline. Affected: yes.
Comment: In-frame deletion of one amino acid in a non-repeat region; Not observed at significant frequency in large population cohorts (gnomAD); In silico analysis supports a deleterious effect on protein structure/function; Observed in multiple unrelated patients with suspected or clinically diagnosed neurofibromatosis type 1 or NF1-Noonan syndrome referred for genetic testing at GeneDx and in published literature (Baralle et al., 2003; Mattocks et al., 2004; De Luca et al., 2005; Pros et al., 2008; Xu et al., 2014; Kang et al., 2020); This variant is associated with the following publications: (PMID: 15060124, 12707950, 16380919, 18546366, 24789688, 31487937, 23047742, 19863548, 23913538, 31776437, 12807981)

PreventionGenetics, part of Exact Sciences
Classification: Pathogenic for NF1-related condition. Last evaluated: 2022-10-10. Review status: criteria provided, single submitter. Criteria: ACMG Guidelines, 2015. Collection method: clinical testing. Allele origin: germline.
Comment: The NF1 c.4375_4377delGAA variant is predicted to result in an in-frame deletion (p.Glu1459del). This variant is also described as c.4312_4314delGAA, and has been reported to be causative for neurofibromatosis (Mattocks et al. 2004. PubMed ID: 15060124; Bacci et al. 2010. PubMed ID: 19863548) and has also been reported in a patient with Neurofibromatosis-Noonan syndrome (NFNS) (Baralle et al. 2003. PubMed ID: 12707950). To our knowledge, this variant has not been reported in a large population database, indicating this variant is rare. This variant is interpreted as pathogenic/likely pathogenic in ClinVar. Based on this evidence, we interpret this variant as pathogenic.

Baylor Genetics
Classification: Pathogenic for Juvenile myelomonocytic leukemia. Last evaluated: 2022-07-01. Review status: criteria provided, single submitter. Criteria: ACMG Guidelines, 2015. Collection method: clinical testing. Allele origin: unknown.

Clinical Genetics Laboratory, Skane University Hospital Lund
Classification: Likely pathogenic. Last evaluated: 2022-05-27. Review status: criteria provided, single submitter. Criteria: ACMG Guidelines, 2015. Collection method: clinical testing. Allele origin: germline. Affected: yes.

Genome-Nilou Lab
Classification: Likely pathogenic for Neurofibromatosis, type 1. Last evaluated: 2022-03-15. Review status: criteria provided, single submitter. Criteria: ACMG Guidelines, 2015. Collection method: clinical testing. Allele origin: germline. Affected: no.

Genome Diagnostics Laboratory, The Hospital for Sick Children
Classification: Pathogenic for Neurofibromatosis, type 1. Last evaluated: 2020-10-26. Review status: criteria provided, single submitter. Criteria: ACMG Guidelines, 2015. Collection method: clinical testing. Allele origin: germline. Affected: yes.

Juno Genomics, Hangzhou Juno Genomics, Inc
Classification: Likely pathogenic for Neurofibromatosis, type 1. Review status: criteria provided, single submitter. Criteria: ACMG Guidelines, 2015. Collection method: clinical testing. Allele origin: germline. Affected: yes.
Comment: Absent from controls (or at extremely low frequency if recessive) in Genome Aggregation Database, Exome Sequencing Project, 1000 Genomes Project, or Exome Aggregation Consortium.;Protein length changes due to in-frame deletions/insertions in a non-repeat region or stop-loss variants.;The prevalence of the variant in affected individuals is significantly increased compared to the prevalence in controls.;Assumed de novo, but without confirmation of paternity and maternity.;Patient's phenotype or family history is highly specific for a disease with a single genetic etiology.

OMIM
Classification: Pathogenic for NEUROFIBROMATOSIS-NOONAN SYNDROME. Last evaluated: 2003-05-15. Review status: no assertion criteria provided. Collection method: literature only. Allele origin: germline. Not counted in ClinVar's aggregate classification.

Literature cited by the submitters: PubMed 12707950 (cited by 3 submitters); PubMed 15060124 (cited by Labcorp Genetics (formerly Invitae), Labcorp and Ambry Genetics); PubMed 18546366 (cited by 3 submitters); PubMed 19863548 (cited by 3 submitters); PubMed 24789688 (cited by Myriad Genetics, Inc. and Ambry Genetics); PubMed 23913538 (cited by Myriad Genetics, Inc. and Ambry Genetics); PubMed 26962827 (cited by Myriad Genetics, Inc.); PubMed 31776437 (cited by Myriad Genetics, Inc. and Ambry Genetics); PubMed 36803953 (cited by Myriad Genetics, Inc.); PubMed 12807981 (cited by Ambry Genetics).